The following is an entry in ClinVar:

ClinVar aggregate classification (germline): Uncertain significance (1 of 4 stars; one submission).

Conditions:
Amyotrophic lateral sclerosis type 4 (ALS4). Also called: NEURONOPATHY, DISTAL HEREDITARY MOTOR, WITH PYRAMIDAL FEATURES; AMYOTROPHIC LATERAL SCLEROSIS 4, JUVENILE. Identifiers: Orphanet 357043, MedGen C1865409, MONDO:0011223, OMIM 602433.
Spinocerebellar ataxia, autosomal recessive, with axonal neuropathy 2 (SCAN2). Also called: ATAXIA-OCULOMOTOR APRAXIA 2; Ataxia-ocular apraxia-2; Ataxia with Oculomotor Apraxia; Ataxia with Oculomotor Apraxia Type 2. Identifiers: Orphanet 64753, MedGen C1853761, MONDO:0018996, OMIM 606002.

Allele frequency attached by ClinVar (database versions not stated): gnomAD exomes 0.00001.
gnomAD v4.1: 5 of 1,614,106 alleles (0.00031%); highest among the groups gnomAD compares: Non-Finnish European, 0.00034%; no homozygotes.

Submission:

Labcorp Genetics (formerly Invitae), Labcorp
Classification: Uncertain significance for Amyotrophic lateral sclerosis type 4; Spinocerebellar ataxia, autosomal recessive, with axonal neuropathy 2. Last evaluated: 2024-01-22. Review status: criteria provided, single submitter. Criteria: Invitae Variant Classification Sherloc (09022015). Collection method: clinical testing. Allele origin: germline.
Comment: This sequence change replaces lysine, which is basic and polar, with glutamine, which is neutral and polar, at codon 2466 of the SETX protein (p.Lys2466Gln). This variant is not present in population databases (gnomAD no frequency). This variant has not been reported in the literature in individuals affected with SETX-related conditions. Advanced modeling of protein sequence and biophysical properties (such as structural, functional, and spatial information, amino acid conservation, physicochemical variation, residue mobility, and thermodynamic stability) performed at Invitae indicates that this missense variant is not expected to disrupt SETX protein function with a negative predictive value of 95%. In summary, the available evidence is currently insufficient to determine the role of this variant in disease. Therefore, it has been classified as a Variant of Uncertain Significance.

NM_015046.7(SETX):c.7396A>C (p.Lys2466Gln)

Gene: SETX (senataxin; minus strand). Cytogenetic location: 9q34.13.
Variant type: single nucleotide variant.
Coding change: c.7396A>C on transcript NM_015046.7 (MANE Select); coding-DNA position 7396, A replaced by C.
Protein change: p.Lys2466Gln; replaces lysine 2466 with glutamine.
Molecular consequence: missense variant.
Genome position (GRCh38, 1-based): chr9:132,264,877, T>G on the plus strand (A>C on the coding strand, the complement: SETX is on the minus strand). VCF-style: chr9-132264877-T-G. GRCh37 (hg19) VCF-style: chr9-135140264-T-G.
Other names: c.7396A>C, p.Lys2466Gln (NM_001351527.2); c.7483A>C, p.Lys2495Gln (NM_001351528.2); short protein forms K2466Q, K2495Q.
Identifiers: ClinVar variation 2935702 (VCV002935702.3), dbSNP rs2538822585, ClinGen allele CA375325688.
Genomic context (GRCh38, chr9:132,264,877, plus strand): 5'-GTCTGGACCCCTCTGGGGCTATGGTAGGAGGGTGAGTGAGACTTCTCTGCAGCACAGGCT[T>G]GAGTTTCAGAATCTTCACTGCATCATGTCTATAGTTTTTGTCACAGGTCTTAATAATGGC-3'
Protein context (NP_055861.3, residues 2456-2476): RHDAVKILKL[Lys2466Gln]PVLQRSLTHP